The following is an entry in ClinVar:

NM_177438.3(DICER1):c.2325G>A (p.Met775Ile)

Gene: DICER1 (dicer 1, ribonuclease III; minus strand). Cytogenetic location: 14q32.13.
Variant type: single nucleotide variant.
Coding change: c.2325G>A on transcript NM_177438.3 (MANE Select); coding-DNA position 2325, G replaced by A.
Protein change: p.Met775Ile; replaces methionine 775 with isoleucine.
Molecular consequence: missense variant.
Genome position (GRCh38, 1-based): chr14:95,108,435, C>T on the plus strand (G>A on the coding strand, the complement: DICER1 is on the minus strand). VCF-style: chr14-95108435-C-T. GRCh37 (hg19) VCF-style: chr14-95574772-C-T.
Other names: c.2325G>A, p.Met775Ile (NM_001195573.1, NM_001271282.3, NM_001291628.2 and 1 more transcripts); short protein forms M775I.
Identifiers: ClinVar variation 644138 (VCV000644138.10), dbSNP rs1595382279, ClinGen allele CA390882290.

ClinVar aggregate classification (germline): Uncertain significance (1 of 4 stars; one submission).

Conditions:
DICER1-related tumor predisposition. Also called: DICER1 syndrome; DICER1-related pleuropulmonary blastoma cancer predisposition syndrome. Identifiers: Orphanet 284343, MedGen C3839822, MONDO:0100216.

Submission:

Labcorp Genetics (formerly Invitae), Labcorp
Classification: Uncertain significance for DICER1-related tumor predisposition. Last evaluated: 2018-12-23. Review status: criteria provided, single submitter. Criteria: Invitae Variant Classification Sherloc (09022015). Collection method: clinical testing. Allele origin: germline.
Comment: Algorithms developed to predict the effect of missense changes on protein structure and function are either unavailable or do not agree on the potential impact of this missense change (SIFT: "Tolerated"; PolyPhen-2: "Probably Damaging"; Align-GVGD: "Class C0"). This variant has not been reported in the literature in individuals with DICER1-related conditions. This variant is not present in population databases (ExAC no frequency). This sequence change replaces methionine with isoleucine at codon 775 of the DICER1 protein (p.Met775Ile). The methionine residue is highly conserved and there is a small physicochemical difference between methionine and isoleucine. In summary, the available evidence is currently insufficient to determine the role of this variant in disease. Therefore, it has been classified as a Variant of Uncertain Significance.